The following is an entry in ClinVar:

NM_000112.4(SLC26A2):c.2105dup (p.Glu703fs)

Gene: SLC26A2 (solute carrier family 26 member 2; plus strand). Cytogenetic location: 5q32.
Variant type: Duplication.
Coding change: c.2105dup on transcript NM_000112.4 (MANE Select); coding-DNA position 2105, one base duplicated (A; older notation c.2105dupA).
Protein change: p.Glu703fs; shifts the reading frame from glutamic acid 703.
Molecular consequence: frameshift variant.
Genome position (GRCh38, 1-based): chr5:149,981,698, A duplicated; the last of 5 consecutive A bases (chr5:149,981,694-149,981,698); duplicating any one gives the same sequence. VCF-style (leftmost placement, unchanged base first): chr5-149981693-C-CA. GRCh37 (hg19) VCF-style: chr5-149361256-C-CA.
Other names: short protein forms E703fs.
Identifiers: ClinVar variation 1481671 (VCV001481671.8), dbSNP rs1581232733, ClinGen allele CA2573139283.

ClinVar aggregate classification (germline): Likely pathogenic (1 of 4 stars; one submission).

Conditions:
Achondrogenesis, type IB (ACG1B). Also called: Achondrogenesis Type 1B. Identifiers: Orphanet 932, Orphanet 93298, MedGen C0265274, MONDO:0010966, OMIM 600972.
Diastrophic dysplasia (DTD). Also called: Diastrophic dwarfism. Identifiers: Orphanet 628, MedGen C0220726, MONDO:0009107, OMIM 222600.
Multiple epiphyseal dysplasia type 4 (EDM4). Also called: SLC26A2-Related Multiple Epiphyseal Dysplasia; Multiple Epiphyseal Dysplasia, Recessive; MULTIPLE EPIPHYSEAL DYSPLASIA WITH BILAYERED PATELLAE; MULTIPLE EPIPHYSEAL DYSPLASIA WITH CLUBFOOT; MULTIPLE EPIPHYSEAL DYSPLASIA, AUTOSOMAL RECESSIVE. Identifiers: Orphanet 93307, MedGen C1847593, MONDO:0009189, OMIM 226900.
Atelosteogenesis type II (AO2). Also called: NEONATAL OSSEOUS DYSPLASIA I; Neonatal osseous dysplasia 1; SLC26A2-Related Atelosteogenesis. Identifiers: Orphanet 56304, MedGen C1850554, MONDO:0009727, OMIM 256050.

Submission:

Labcorp Genetics (formerly Invitae), Labcorp
Classification: Likely pathogenic for Atelosteogenesis type II; Multiple epiphyseal dysplasia type 4; Achondrogenesis, type IB; Diastrophic dysplasia. Last evaluated: 2020-12-17. Review status: criteria provided, single submitter. Criteria: Invitae Variant Classification Sherloc (09022015). Collection method: clinical testing. Allele origin: germline.
Comment: This sequence change creates a premature translational stop signal (p.Glu703Glyfs*9) in the SLC26A2 gene. While this is not anticipated to result in nonsense mediated decay, it is expected to disrupt the last 37 amino acid(s) of the SLC26A2 protein. This variant is not present in population databases (ExAC no frequency). This variant has not been reported in the literature in individuals with SLC26A2-related conditions. This variant disrupts the p.Ala715 amino acid residue in SLC26A2. Other variant(s) that disrupt this residue have been determined to be pathogenic (PMID: 21077204, 8571951, 21922596, Invitae). This suggests that this residue is clinically significant, and that variants that disrupt this residue are likely to be disease-causing. In summary, the currently available evidence indicates that the variant is pathogenic, but additional data are needed to prove that conclusively. Therefore, this variant has been classified as Likely Pathogenic.

Literature cited by the submitters: PubMed 21077204; PubMed 8571951; PubMed 21922596.